The following is an entry in ClinVar:

NM_000868.4(HTR2C):c.565A>G (p.Ile189Val)

Genes: HTR2C (5-hydroxytryptamine receptor 2C; plus strand), LOC126863306 (MED14-independent group 3 enhancer GRCh37_chrX:114140926-114142125; plus strand). Cytogenetic location: Xq23.
Variant type: single nucleotide variant.
Coding change: c.565A>G on transcript NM_000868.4 (MANE Select); coding-DNA position 565, A replaced by G.
Protein change: p.Ile189Val; replaces isoleucine 189 with valine.
Molecular consequence: missense variant.
Genome position (GRCh38, 1-based): chrX:114,906,603, A>G. VCF-style: chrX-114906603-A-G. GRCh37 (hg19) VCF-style: chrX-114141166-A-G.
Other names: c.565A>G, p.Ile189Val (NM_001256760.3); c.470A>G, p.Tyr157Cys (NM_001256761.3); short protein forms Y157C, I189V.
Identifiers: ClinVar variation 5002259 (VCV005002259.1).

ClinVar aggregate classification (germline): Uncertain significance (1 of 4 stars; one submission).

Conditions:
HTR2C-related disorder. Also called: HTR2C-related condition.

Submission:

PreventionGenetics, part of Exact Sciences
Classification: Uncertain significance for HTR2C-related condition. Last evaluated: 2024-12-03. Review status: criteria provided, single submitter. Criteria: ACMG Guidelines, 2015. Collection method: clinical testing. Allele origin: germline.
Comment: The HTR2C c.565A>G variant is predicted to result in the amino acid substitution p.Ile189Val. To our knowledge, this variant has not been reported in the literature or in a large population database (gnomAD), indicating this variant is rare. At this time, the clinical significance of this variant is uncertain due to the absence of conclusive functional and genetic evidence.